The following is an entry in ClinVar:

ClinVar aggregate classification (germline): Benign/Likely benign. Review status: criteria provided, multiple submitters, no conflicts (2 of 4 stars). 8 submissions from 7 submitters: Benign (2); Likely benign (4). 2 of the submissions do not count toward it. Last evaluated 2026-02-01.

Conditions:
Distal arthrogryposis type 2B1 (DA2B1). Also called: Arthrogryposis multiplex congenita distal type II with craniofacial abnormalities. Identifiers: Orphanet 1147, MedGen C5193014, MONDO:0020820, OMIM 601680.
Freeman-Sheldon syndrome (DA2A). Also called: CRANIOCARPOTARSAL DYSPLASIA; CRANIOCARPOTARSAL DYSTROPHY; WHISTLING FACE-WINDMILL VANE HAND SYNDROME; Arthrogryposis, distal, type 2A (Freeman-Sheldon). Identifiers: Orphanet 2053, MedGen C0265224, MONDO:0008675, OMIM 193700.

Allele frequency attached by ClinVar (database versions not stated): 1000 Genomes Project 30x 0.00016; 1000 Genomes Project 0.00020; ExAC 0.00109; gnomAD exomes 0.00110 and 0.00180; gnomAD 0.00120 and 0.00158; TOPMed 0.00135; ESP Exome Variant Server 0.00161.
gnomAD v4.1: 2,829 of 1,614,096 alleles (0.18%); highest among the groups gnomAD compares: Non-Finnish European, 0.21%; 6 homozygotes.

Submissions (8):

Labcorp Genetics (formerly Invitae), Labcorp
Classification: Likely benign. Last evaluated: 2026-02-01. Review status: criteria provided, single submitter. Criteria: Invitae Variant Classification Sherloc (09022015). Collection method: clinical testing. Allele origin: germline.

Blueprint Genetics
Classification: Likely benign. Last evaluated: 2024-11-19. Review status: criteria provided, single submitter. Criteria: ACMG Guidelines, 2015. Collection method: clinical testing. Allele origin: germline.

GeneDx
Classification: Benign. Last evaluated: 2021-07-12. Review status: criteria provided, single submitter. Criteria: GeneDx Variant Classification Process June 2021. Collection method: clinical testing. Allele origin: germline. Affected: yes.

Illumina Laboratory Services, Illumina
Classification: Likely benign for Distal arthrogryposis type 2B1. Last evaluated: 2018-01-13. Review status: criteria provided, single submitter. Criteria: ICSL Variant Classification Criteria 13 December 2019. Collection method: clinical testing. Allele origin: germline.
Comment: This variant was observed in the ICSL laboratory as part of a predisposition screen in an ostensibly healthy population. It had not been previously curated by ICSL or reported in the Human Gene Mutation Database (HGMD: prior to June 1st, 2018), and was therefore a candidate for classification through an automated scoring system. Utilizing variant allele frequency, disease prevalence and penetrance estimates, and inheritance mode, an automated score was calculated to assess if this variant is too frequent to cause the disease. Based on the score and internal cut-off values, a variant classified as likely benign is not then subjected to further curation. The score for this variant resulted in a classification of likely benign for this disease.

Illumina Laboratory Services, Illumina
Classification: Benign for Freeman-Sheldon syndrome. Last evaluated: 2018-01-13. Review status: criteria provided, single submitter. Criteria: ICSL Variant Classification Criteria 13 December 2019. Collection method: clinical testing. Allele origin: germline.
Comment: This variant was observed in the ICSL laboratory as part of a predisposition screen in an ostensibly healthy population. It had not been previously curated by ICSL or reported in the Human Gene Mutation Database (HGMD: prior to June 1st, 2018), and was therefore a candidate for classification through an automated scoring system. Utilizing variant allele frequency, disease prevalence and penetrance estimates, and inheritance mode, an automated score was calculated to assess if this variant is too frequent to cause the disease. Based on the score and internal cut-off values, a variant classified as benign is not then subjected to further curation. The score for this variant resulted in a classification of benign for this disease.

PreventionGenetics, part of Exact Sciences
Classification: Likely benign. Last evaluated: 2016-02-23. Review status: criteria provided, single submitter. Criteria: ACMG Guidelines, 2015. Collection method: clinical testing. Allele origin: germline.

Clinical Genetics DNA and cytogenetics Diagnostics Lab, Erasmus MC, Erasmus Medical Center
Classification: Likely benign. Review status: no assertion criteria provided. Collection method: clinical testing. Allele origin: germline. Affected: yes. Study: VKGL Data-share Consensus. Not counted in ClinVar's aggregate classification.

Clinical Genetics, Academic Medical Center
Classification: Benign. Review status: no assertion criteria provided. Collection method: clinical testing. Allele origin: germline. Affected: yes. Study: VKGL Data-share Consensus. Not counted in ClinVar's aggregate classification.

NM_002470.4(MYH3):c.3078C>T (p.Ser1026=)

Gene: MYH3 (myosin heavy chain 3; minus strand). Cytogenetic location: 17p13.1.
Variant type: single nucleotide variant.
Coding change: c.3078C>T on transcript NM_002470.4 (MANE Select); coding-DNA position 3078, C replaced by T.
Protein change: p.Ser1026=; no amino-acid change (serine 1026 retained).
Molecular consequence: synonymous variant.
Genome position (GRCh38, 1-based): chr17:10,639,322, G>A on the plus strand (C>T on the coding strand, the complement: MYH3 is on the minus strand). VCF-style: chr17-10639322-G-A. GRCh37 (hg19) VCF-style: chr17-10542639-G-A.
Identifiers: ClinVar variation 258679 (VCV000258679.19), dbSNP rs146309217, ClinGen allele CA8392626.
Genomic context (GRCh38, chr17:10,639,322, plus strand): 5'-GAGTTCTGGGACTCCCGATGAGCATTATTTACTTACGTCTTCCACTTGCTGTTCCAGTTT[G>A]CTCTTGGTTTTGTTCAAAGAATTGACTTTGTCTTCTTCAGCTTGGAGGTCATCCAAGGCC-3'
Protein context (NP_002461.2, residues 1016-1036): DKVNSLNKTK[Ser1026=]KLEQQVEDLE